The following is an entry in ClinVar:

NM_001622.4(AHSG):c.925T>C (p.Leu309=)

Gene: AHSG (alpha 2-HS glycoprotein; plus strand). Cytogenetic location: 3q27.3.
Variant type: single nucleotide variant.
Coding change: c.925T>C on transcript NM_001622.4 (MANE Select); coding-DNA position 925, T replaced by C.
Protein change: p.Leu309=; no amino-acid change (leucine 309 retained).
Molecular consequence: synonymous variant.
Genome position (GRCh38, 1-based): chr3:186,620,751, T>C. VCF-style: chr3-186620751-T-C. GRCh37 (hg19) VCF-style: chr3-186338540-T-C.
Other names: c.928T>C, p.Leu310= (NM_001354571.2); c.922T>C, p.Leu308= (NM_001354572.2); c.841T>C, p.Leu281= (NM_001354573.2).
Identifiers: ClinVar variation 3037333 (VCV003037333.2), dbSNP rs35799453, ClinGen allele CA2745067.

ClinVar aggregate classification (germline): Benign (0 of 4 stars; one submission).

Conditions:
AHSG-related disorder. Also called: AHSG-related condition.

Allele frequency attached by ClinVar (database versions not stated): 1000 Genomes Project 0.00799; 1000 Genomes Project 30x 0.00874; ExAC 0.01391; gnomAD 0.01435; TOPMed 0.01586; ESP Exome Variant Server 0.01738.
gnomAD v4.1: 29,948 of 1,614,132 alleles (1.9%); highest among the groups gnomAD compares: Non-Finnish European, 2.2%; 334 homozygotes.

Submission:

PreventionGenetics, part of Exact Sciences
Classification: Benign for AHSG-related condition. Last evaluated: 2020-01-31. Review status: no assertion criteria provided. Collection method: clinical testing. Allele origin: germline.
Comment: This variant is classified as benign based on ACMG/AMP sequence variant interpretation guidelines (Richards et al. 2015 PMID: 25741868, with internal and published modifications).